The following is an entry in ClinVar:

NM_001384317.1(ZHX3):c.2164G>A (p.Val722Ile)

Gene: ZHX3 (zinc fingers and homeoboxes 3; minus strand). Cytogenetic location: 20q12.
Variant type: single nucleotide variant.
Coding change: c.2164G>A on transcript NM_001384317.1 (MANE Select); coding-DNA position 2164, G replaced by A.
Protein change: p.Val722Ile; replaces valine 722 with isoleucine.
Molecular consequence: missense variant.
Genome position (GRCh38, 1-based): chr20:41,202,753, C>T on the plus strand (G>A on the coding strand, the complement: ZHX3 is on the minus strand). VCF-style: chr20-41202753-C-T. GRCh37 (hg19) VCF-style: chr20-39831393-C-T.
Other names: c.2164G>A, p.Val722Ile (NM_001384315.1, NM_001384316.1, NM_001384318.1 and 8 more transcripts); c.2164G>A (NM_015035.3); short protein forms V722I.
Identifiers: ClinVar variation 1445016 (VCV001445016.7), dbSNP rs1025033989, ClinGen allele CA314467911.

ClinVar aggregate classification (germline): Uncertain significance. Review status: criteria provided, multiple submitters, no conflicts (2 of 4 stars). 2 submissions from 2 submitters: Uncertain significance (2). Last evaluated 2025-07-02.

Allele frequency attached by ClinVar (database versions not stated): TOPMed below 0.00001; gnomAD 0.00001; gnomAD exomes 0.00001.
gnomAD v4.1: 7 of 1,613,980 alleles (0.00043%); highest among the groups gnomAD compares: African/African-American, 0.0013%; no homozygotes.

Submissions (2):

Ambry Genetics
Classification: Uncertain significance. Last evaluated: 2025-07-02. Review status: criteria provided, single submitter. Criteria: Ambry Variant Classification Scheme 2023. Collection method: clinical testing. Allele origin: germline.

Labcorp Genetics (formerly Invitae), Labcorp
Classification: Uncertain significance. Last evaluated: 2021-09-14. Review status: criteria provided, single submitter. Criteria: Invitae Variant Classification Sherloc (09022015). Collection method: clinical testing. Allele origin: germline.
Comment: This sequence change replaces valine with isoleucine at codon 722 of the ZHX3 protein (p.Val722Ile). The valine residue is highly conserved and there is a small physicochemical difference between valine and isoleucine. This variant is not present in population databases (ExAC no frequency). This variant has not been reported in the literature in individuals affected with ZHX3-related conditions. Algorithms developed to predict the effect of missense changes on protein structure and function are either unavailable or do not agree on the potential impact of this missense change (SIFT: "Deleterious"; PolyPhen-2: "Probably Damaging"; Align-GVGD: "Class C0"). In summary, the available evidence is currently insufficient to determine the role of this variant in disease. Therefore, it has been classified as a Variant of Uncertain Significance.